The following is an entry in ClinVar:

NM_001868.4(CPA1):c.853G>A (p.Glu285Lys)

Gene: CPA1 (carboxypeptidase A1; plus strand). Cytogenetic location: 7q32.2.
Variant type: single nucleotide variant.
Coding change: c.853G>A on transcript NM_001868.4 (MANE Select); coding-DNA position 853, G replaced by A.
Protein change: p.Glu285Lys; replaces glutamic acid 285 with lysine.
Molecular consequence: missense variant.
Genome position (GRCh38, 1-based): chr7:130,385,211, G>A. VCF-style: chr7-130385211-G-A. GRCh37 (hg19) VCF-style: chr7-130025052-G-A.
Other names: short protein forms E285K.
Identifiers: ClinVar variation 3835746 (VCV003835746.1).

ClinVar aggregate classification (germline): Uncertain significance (1 of 4 stars; one submission).

Conditions:
Hereditary pancreatitis (PCTT). Also called: PRSS1-Related Hereditary Pancreatitis; Hereditary chronic pancreatitis. Identifiers: Orphanet 676, MedGen C0238339, MONDO:0008185, OMIM 167800.

Submission:

Ambry Genetics
Classification: Uncertain significance for Hereditary pancreatitis. Last evaluated: 2024-12-16. Review status: criteria provided, single submitter. Criteria: Ambry Variant Classification Scheme 2023. Collection method: clinical testing. Allele origin: germline.
Comment: The p.E285K variant (also known as c.853G>A), located in coding exon 8 of the CPA1 gene, results from a G to A substitution at nucleotide position 853. The glutamic acid at codon 285 is replaced by lysine, an amino acid with similar properties. This amino acid position is conserved. In addition, this alteration is predicted to be deleterious by in silico analysis. Based on the available evidence, the clinical significance of this variant remains unclear.